The following is an entry in ClinVar:

ClinVar aggregate classification (germline): Pathogenic. Review status: reviewed by expert panel (3 of 4 stars). 9 submissions from 8 submitters: Pathogenic (1). 8 of the submissions do not count toward it. Last evaluated 2026-10-30.

Conditions:
RPGR-related retinopathy. Also called: RPGR retinopathy. Identifiers: MedGen CN305589, MONDO:0100437.
Retinal dystrophy. Also called: Inherited retinal dystrophy. Identifiers: Orphanet 71862, MedGen C0854723, MeSH D058499, MONDO:0019118, HP:0000556.
Retinitis pigmentosa (RP). Identifiers: Orphanet 791, MedGen C0035334, MeSH D012174, MONDO:0019200, OMIM 268000. Inheritance: Autosomal dominant, autosomal recessive and X linked inheritance.
Primary ciliary dyskinesia. Also called: Ciliary dyskinesia. Identifiers: Orphanet 244, MedGen C0008780, MONDO:0016575, HP:0012265.
Retinitis pigmentosa 3. Also called: CHOROIDORETINAL DEGENERATION WITH RETINAL REFLEX IN HETEROZYGOUS WOMEN. Identifiers: Orphanet 791, MedGen C1845667, MONDO:0010227, OMIM 300029.

Submissions (9):

ClinGen X-linked Inherited Retinal Disease Variant Curation Expert Panel, ClinGen
Classification: Pathogenic for RPGR-related retinopathy. Last evaluated: 2026-10-30. Review status: reviewed by expert panel. Criteria: ClinGen X LinkedIRD ACMG Specifications RPGR V1.0.0. Collection method: curation. Allele origin: germline. Inheritance: X-linked inheritance.
Comment: NM_001034853.2(RPGR):c.2323_2324del (p.Arg775GlufsTer?) is a frameshift variant due to deletion of 2 nucleotides and introduces a premature stop codon after 59 amino acids that causes a truncated protein, disrupting a critical C-terminal region required for proper glutamylation of RPGR (PVS1, PMID: 36445968). This variant is absent from hemizygous individuals in gnomAD v4.1.2 (PM2_Supporting). This variant has been reported in at least 5 apparently unrelated probands meeting the PS4 requirement of some functional vision impairment in affected males by age 30 years, with decreased or absent cone and/or rod electroretinogram responses (PMIDs: 29528978, 32012938, 32098976, 32702353, 34745198, PS4_Moderate). At least one proband harboring this variant exhibits a phenotype including night blindness (0.5 pts), reduced visual acuity (0.5 pts), delayed or milder phenotype in female family members (1 pt), no male-to-male transmission (2 pts), and previous exome, genome or 100+ retinal dystrophy panel (that includes X-linked genes) testing that did not provide an alternative explanation for visual impairment (2 pts), which together are specific for RPGR-related retinopathy 6 points, PMID: 30105367, PP4). The variant has been reported to segregate with retinal dystrophy through at least 4 affected meioses from at least 2 families (PP1_Strong; PMID: [29528978, 30105367, 32012938, 34390733]). Other publications report finding this variant, the information needed for curation was insufficient, and therefore, not included. In summary, this variant is classified as Pathogenic for RPGR-related retinopathy based on the ClinGen X-linked Inherited Retinal Disease Expert Panel Specifications to the ACMG/AMP Variant Interpretation Guidelines for RPGR Version 1.0.0: PVS1, PM2_Supporting, PS4_Moderate, PP4, and PP1_Strong.

Labcorp Genetics (formerly Invitae), Labcorp
Classification: Pathogenic for Primary ciliary dyskinesia. Last evaluated: 2025-08-20. Review status: criteria provided, single submitter. Criteria: Invitae Variant Classification Sherloc (09022015). Collection method: clinical testing. Allele origin: germline. Not counted in ClinVar's aggregate classification.
Comment: This sequence change creates a premature translational stop signal (p.Arg775Glufs*59) in the RPGR (ORF15) gene. While this is not anticipated to result in nonsense mediated decay, it is expected to disrupt the last 378 amino acid(s) of the RPGR (ORF15) protein. This variant is not present in population databases (gnomAD no frequency). This premature translational stop signal has been observed in individuals with retinitis pigmentosa (PMID: 11992260, 23950152, 28041643, 31054281, 32702353). This variant is also known as c.571-2del. ClinVar contains an entry for this variant (Variation ID: 438144). For these reasons, this variant has been classified as Pathogenic.

GeneDx
Classification: Pathogenic. Last evaluated: 2022-03-03. Review status: criteria provided, single submitter. Criteria: GeneDx Variant Classification Process June 2021. Collection method: clinical testing. Allele origin: germline. Affected: yes. Not counted in ClinVar's aggregate classification.
Comment: Frameshift variant in the C-terminus predicted to result in protein truncation, as the last 378 amino acids are lost and replaced with 58 incorrect amino acids; Not observed in large population cohorts (gnomAD); This variant is associated with the following publications: (PMID: 28041643, 11992260, 31054281, 34390733)

Institute of Medical Genetics and Applied Genomics, University Hospital Tübingen
Classification: Pathogenic. Last evaluated: 2020-10-23. Review status: criteria provided, single submitter. Criteria: ACMG Guidelines, 2015. Collection method: clinical testing. Allele origin: germline. Inheritance: X-linked recessive inheritance. Affected: yes. Not counted in ClinVar's aggregate classification.

CeGaT Center for Human Genetics Tuebingen
Classification: Pathogenic. Last evaluated: 2020-03-01. Review status: criteria provided, single submitter. Criteria: CeGaT Center For Human Genetics Tuebingen Variant Classification Criteria Version 2. Collection method: clinical testing. Allele origin: germline. Affected: yes. Observed: 1 variant allele. Not counted in ClinVar's aggregate classification.

Blueprint Genetics
Classification: Pathogenic for Retinal dystrophy. Last evaluated: 2019-05-03. Review status: criteria provided, single submitter. Criteria: Blueprint Genetics Variant Classification Scheme. Collection method: clinical testing. Allele origin: germline. Affected: yes. Not counted in ClinVar's aggregate classification.

PreventionGenetics, part of Exact Sciences
Classification: Pathogenic. Last evaluated: 2017-09-23. Review status: criteria provided, single submitter. Criteria: ACMG Guidelines, 2015. Collection method: clinical testing. Allele origin: germline. Not counted in ClinVar's aggregate classification.

NIHR Bioresource Rare Diseases, University of Cambridge
Classification: Pathogenic for Retinitis pigmentosa. Last evaluated: 2015-01-01. Review status: no assertion criteria provided. Collection method: research. Allele origin: unknown. Affected: yes. Observed: 1 variant allele. Not counted in ClinVar's aggregate classification.

Blueprint Genetics
Classification: Pathogenic for Retinitis pigmentosa 3. Review status: no assertion criteria provided. Collection method: clinical testing. Allele origin: germline. Affected: yes. Not counted in ClinVar's aggregate classification.

Literature cited by the submitters: PubMed 11992260 (cited by Labcorp Genetics (formerly Invitae), Labcorp and NIHR Bioresource Rare Diseases, University of Cambridge); PubMed 23950152 (cited by Labcorp Genetics (formerly Invitae), Labcorp); PubMed 28041643 (cited by Labcorp Genetics (formerly Invitae), Labcorp and NIHR Bioresource Rare Diseases, University of Cambridge); PubMed 31054281 (cited by Labcorp Genetics (formerly Invitae), Labcorp); PubMed 32702353 (cited by Labcorp Genetics (formerly Invitae), Labcorp).

NM_001034853.2(RPGR):c.2323_2324del (p.Arg775fs)

Gene: RPGR (retinitis pigmentosa GTPase regulator; minus strand). Cytogenetic location: Xp11.4.
Variant type: Microsatellite.
Coding change: c.2323_2324del on transcript NM_001034853.2 (MANE Select); coding-DNA positions 2323 to 2324, 2 bases deleted (AG; older notation c.2323_2324delAG).
Protein change: p.Arg775fs; shifts the reading frame from arginine 775.
Molecular consequence: frameshift variant. On other transcripts: intron variant (8).
Genome position (GRCh38, 1-based): chrX:38,286,675-38,286,676, CT deleted on the plus strand (AG on the coding strand, the reverse complement: RPGR is on the minus strand); deleting any 2 consecutive bases within chrX:38,286,675-38,286,681 gives the same sequence; the c. name uses the placement nearest the transcript's 3' end. VCF-style (leftmost placement, unchanged base first): chrX-38286674-CCT-C. GRCh37 (hg19) VCF-style: chrX-38145927-CCT-C.
Other names: c.2323_2324del (NM_001034853.1); c.1569+4279AG[2] (NM_001367249.1, NM_001367250.1); c.1902+414AG[2] (NM_001367245.1); c.1386+4279AG[2] (NM_001367251.1); c.1719+414AG[2] (NM_001367246.1); c.1572+4279AG[2] (NM_001367247.1); c.1905+414AG[2] (NM_000328.3); c.1602+4279AG[2] (NM_001367248.1); short protein forms R775fs.
Identifiers: ClinVar variation 438144 (VCV000438144.57), dbSNP rs1555961832, ClinGen allele CA16609677.